The following is an entry in ClinVar:

ClinVar aggregate classification (germline): Pathogenic (1 of 4 stars; one submission).

Conditions:
LHX2-associated neurodevelopmental disorder.

Submission:

Institute of Human Genetics, University of Leipzig Medical Center
Classification: Pathogenic for LHX2-associated neurodevelopmental disorder. Last evaluated: 2026-01-06. Review status: criteria provided, single submitter. Criteria: ACMG Guidelines, 2015. Collection method: clinical testing. Allele origin: unknown. Inheritance: Autosomal dominant inheritance. Affected: yes.
Comment: Criteria applied: PVS1,PM2

Literature cited by the submitters: PubMed 37057675.

NM_004789.4(LHX2):c.240C>A (p.Cys80Ter)

Gene: LHX2 (LIM homeobox 2; plus strand). Cytogenetic location: 9q33.3.
Variant type: single nucleotide variant.
Coding change: c.240C>A on transcript NM_004789.4 (MANE Select); coding-DNA position 240, C replaced by A.
Protein change: p.Cys80Ter; replaces cysteine 80 with a stop codon.
Molecular consequence: nonsense.
Genome position (GRCh38, 1-based): chr9:124,014,080, C>A. VCF-style: chr9-124014080-C-A. GRCh37 (hg19) VCF-style: chr9-126776359-C-A.
Other names: short protein forms C80*.
Identifiers: ClinVar variation 4819122 (VCV004819122.1).